The following is an entry in ClinVar:

ClinVar aggregate classification (germline): Uncertain significance (1 of 4 stars; one submission).

Conditions:
Congenital contractural arachnodactyly (CCA). Also called: Arthrogryposis, distal, type 9; BEALS SYNDROME; Beals-Hecht syndrome. Identifiers: Orphanet 115, MedGen C0220668, MONDO:0007363, OMIM 121050.

Submission:

Labcorp Genetics (formerly Invitae), Labcorp
Classification: Uncertain significance for Congenital contractural arachnodactyly. Last evaluated: 2022-07-12. Review status: criteria provided, single submitter. Criteria: Invitae Variant Classification Sherloc (09022015). Collection method: clinical testing. Allele origin: germline.
Comment: This sequence change affects a donor splice site in intron 47 of the FBN2 gene. It is expected to disrupt RNA splicing. Variants that disrupt the donor or acceptor splice site typically lead to a loss of protein function (PMID: 16199547), however the current clinical and genetic evidence is not sufficient to establish whether loss-of-function variants in FBN2 cause disease. This variant is not present in population databases (gnomAD no frequency). This variant has not been reported in the literature in individuals affected with FBN2-related conditions. ClinVar contains an entry for this variant (Variation ID: 652313). Algorithms developed to predict the effect of sequence changes on RNA splicing suggest that this variant may disrupt the consensus splice site. In summary, the available evidence is currently insufficient to determine the role of this variant in disease. Therefore, it has been classified as a Variant of Uncertain Significance.

Literature cited by the submitters: PubMed 16199547.

NM_001999.4(FBN2):c.6046+2T>C

Gene: FBN2 (fibrillin 2; minus strand). Cytogenetic location: 5q23.3.
Variant type: single nucleotide variant.
Coding change: c.6046+2T>C on transcript NM_001999.4 (MANE Select); the canonical splice donor site of the intron after coding-DNA position 6046, T replaced by C.
Molecular consequence: splice donor variant.
Genome position (GRCh38, 1-based): chr5:128,301,380, A>G on the plus strand (T>C on the coding strand, the complement: FBN2 is on the minus strand). VCF-style: chr5-128301380-A-G. GRCh37 (hg19) VCF-style: chr5-127637072-A-G.
Identifiers: ClinVar variation 652313 (VCV000652313.7), dbSNP rs1581200259, ClinGen allele CA360766635.